The following is an entry in ClinVar:

NM_203447.4(DOCK8):c.2874+5T>C

Gene: DOCK8 (dedicator of cytokinesis 8; plus strand). Cytogenetic location: 9p24.3.
Variant type: single nucleotide variant.
Coding change: c.2874+5T>C on transcript NM_203447.4 (MANE Select); 5 bases into the intron after coding-DNA position 2874, T replaced by C.
Molecular consequence: intron variant.
Genome position (GRCh38, 1-based): chr9:386,431, T>C. VCF-style: chr9-386431-T-C. GRCh37 (hg19) VCF-style: chr9-386431-T-C.
Other names: c.2670+5T>C (NM_001193536.2); c.2574+3746T>C (NM_001190458.2).
Identifiers: ClinVar variation 4726698 (VCV004726698.1).

ClinVar aggregate classification (germline): Uncertain significance (1 of 4 stars; one submission).

Conditions:
Combined immunodeficiency due to DOCK8 deficiency (HIES2). Also called: HIES autosomal recessive; Hyper-IgE recurrent infection syndrome, autosomal recessive; DOCK8 Deficiency; HYPER-IgE SYNDROME 2, AUTOSOMAL RECESSIVE, WITH RECURRENT INFECTIONS; HYPER-IgE RECURRENT INFECTION SYNDROME 2, AUTOSOMAL RECESSIVE. Identifiers: Orphanet 217390, MedGen C4722305, MONDO:0009478, OMIM 243700.

Submission:

Labcorp Genetics (formerly Invitae), Labcorp
Classification: Uncertain significance for Combined immunodeficiency due to DOCK8 deficiency. Last evaluated: 2025-09-05. Review status: criteria provided, single submitter. Criteria: Invitae Variant Classification Sherloc (09022015). Collection method: clinical testing. Allele origin: germline.
Comment: This sequence change falls in intron 23 of the DOCK8 gene. It does not directly change the encoded amino acid sequence of the DOCK8 protein. It affects a nucleotide within the consensus splice site. This variant is not present in population databases (gnomAD no frequency). This variant has not been reported in the literature in individuals affected with DOCK8-related conditions. Variants that disrupt the consensus splice site are a relatively common cause of aberrant splicing (PMID: 17576681, 9536098). Algorithms developed to predict the effect of sequence changes on RNA splicing suggest that this variant is not likely to affect RNA splicing. In summary, the available evidence is currently insufficient to determine the role of this variant in disease. Therefore, it has been classified as a Variant of Uncertain Significance.

Literature cited by the submitters: PubMed 17576681; PubMed 9536098.